The following is an entry in ClinVar:

ClinVar aggregate classification (germline): Likely benign (1 of 4 stars; one submission).

Allele frequency attached by ClinVar (database versions not stated): TOPMed below 0.00001; gnomAD exomes 0.00001; ExAC 0.00003.
gnomAD v4.1: 12 of 1,613,400 alleles (0.00074%); highest among the groups gnomAD compares: East Asian, 0.0022%; no homozygotes.

Submission:

CeGaT Center for Human Genetics Tuebingen
Classification: Likely benign. Last evaluated: 2023-01-01. Review status: criteria provided, single submitter. Criteria: CeGaT Center For Human Genetics Tuebingen Variant Classification Criteria Version 2. Collection method: clinical testing. Allele origin: germline. Affected: yes. Observed: 1 variant allele.
Comment: GRK2: BP4, BP7

NM_001619.5(GRK2):c.1902C>T (p.Cys634=)

Gene: GRK2 (G protein-coupled receptor kinase 2; plus strand). Cytogenetic location: 11q13.2.
Variant type: single nucleotide variant.
Coding change: c.1902C>T on transcript NM_001619.5 (MANE Select); coding-DNA position 1902, C replaced by T.
Protein change: p.Cys634=; no amino-acid change (cysteine 634 retained).
Molecular consequence: synonymous variant.
Genome position (GRCh38, 1-based): chr11:67,285,185, C>T. VCF-style: chr11-67285185-C-T. GRCh37 (hg19) VCF-style: chr11-67052656-C-T.
Identifiers: ClinVar variation 2642012 (VCV002642012.24), dbSNP rs765999418, ClinGen allele CA6134513.